The following is an entry in ClinVar:

NM_001367721.1(CASK):c.274G>A (p.Glu92Lys)

Gene: CASK (calcium/calmodulin dependent serine protein kinase; minus strand). Cytogenetic location: Xp11.4.
Variant type: single nucleotide variant.
Coding change: c.274G>A on transcript NM_001367721.1 (MANE Select); coding-DNA position 274, G replaced by A.
Protein change: p.Glu92Lys; replaces glutamic acid 92 with lysine.
Molecular consequence: missense variant.
Genome position (GRCh38, 1-based): chrX:41,787,182, C>T on the plus strand (G>A on the coding strand, the complement: CASK is on the minus strand). VCF-style: chrX-41787182-C-T. GRCh37 (hg19) VCF-style: chrX-41646435-C-T.
Other names: c.274G>A, p.Glu92Lys (NM_001126054.3, NM_001126055.3, NM_001410745.1 and 1 more transcripts); short protein forms E92K.
Identifiers: ClinVar variation 2828822 (VCV002828822.3), dbSNP rs1310982151, ClinGen allele CA413002516.
Genomic context (GRCh38, chrX:41,787,182, plus strand): 5'-TCCAACACCAACATTGCTTCAAGTTTTACCCTTTAAGAATTAAAATACACACTCACAATT[C>T]GAAAACCATGTAAAGCATTCCATCTGAGCTATATGTCTCCAATAACTCTACAATGTGTGG-3'
Protein context (NP_001354650.1, residues 82-102): SSDGMLYMVF[Glu92Lys]FMDGADLCFE

ClinVar aggregate classification (germline): Uncertain significance (1 of 4 stars; one submission).

Conditions:
Intellectual disability, CASK-related, X-linked. Identifiers: MedGen CN043158.

Allele frequency attached by ClinVar (database versions not stated): TOPMed below 0.00001; gnomAD 0.00001.

Submission:

Labcorp Genetics (formerly Invitae), Labcorp
Classification: Uncertain significance for Intellectual disability, CASK-related, X-linked. Last evaluated: 2023-04-22. Review status: criteria provided, single submitter. Criteria: Invitae Variant Classification Sherloc (09022015). Collection method: clinical testing. Allele origin: germline.
Comment: In summary, the available evidence is currently insufficient to determine the role of this variant in disease. Therefore, it has been classified as a Variant of Uncertain Significance. Advanced modeling of protein sequence and biophysical properties (such as structural, functional, and spatial information, amino acid conservation, physicochemical variation, residue mobility, and thermodynamic stability) has been performed at Invitae for this missense variant, however the output from this modeling did not meet the statistical confidence thresholds required to predict the impact of this variant on CASK protein function. This variant has not been reported in the literature in individuals affected with CASK-related conditions. This variant is not present in population databases (gnomAD no frequency). This sequence change replaces glutamic acid, which is acidic and polar, with lysine, which is basic and polar, at codon 92 of the CASK protein (p.Glu92Lys).